The following is an entry in ClinVar:

ClinVar aggregate classification (germline): Uncertain significance (1 of 4 stars; one submission).

Conditions:
Fibrous dysplasia of jaw (CRBM). Also called: Cherubism. Identifiers: Orphanet 184, MedGen C0008029, MONDO:0007315, OMIM 118400.

Submission:

Labcorp Genetics (formerly Invitae), Labcorp
Classification: Uncertain significance for Fibrous dysplasia of jaw. Last evaluated: 2021-12-13. Review status: criteria provided, single submitter. Criteria: Invitae Variant Classification Sherloc (09022015). Collection method: clinical testing. Allele origin: germline.
Comment: This sequence change replaces lysine, which is basic and polar, with arginine, which is basic and polar, at codon 507 of the SH3BP2 protein (p.Lys507Arg). In summary, the available evidence is currently insufficient to determine the role of this variant in disease. Therefore, it has been classified as a Variant of Uncertain Significance. Algorithms developed to predict the effect of sequence changes on RNA splicing suggest that this variant may create or strengthen a splice site. Algorithms developed to predict the effect of missense changes on protein structure and function are either unavailable or do not agree on the potential impact of this missense change (SIFT: "Deleterious"; PolyPhen-2: "Probably Damaging"; Align-GVGD: "Class C0"). This variant has not been reported in the literature in individuals affected with SH3BP2-related conditions. This variant is not present in population databases (gnomAD no frequency).

NM_001122681.2(SH3BP2):c.1520A>G (p.Lys507Arg)

Gene: SH3BP2 (SH3 domain binding protein 2; plus strand). Cytogenetic location: 4p16.3.
Variant type: single nucleotide variant.
Coding change: c.1520A>G on transcript NM_001122681.2 (MANE Select); coding-DNA position 1520, A replaced by G.
Protein change: p.Lys507Arg; replaces lysine 507 with arginine.
Molecular consequence: missense variant.
Genome position (GRCh38, 1-based): chr4:2,833,021, A>G. VCF-style: chr4-2833021-A-G. GRCh37 (hg19) VCF-style: chr4-2834748-A-G.
Other names: c.1604A>G, p.Lys535Arg (NM_001145855.2); c.1691A>G, p.Lys564Arg (NM_001145856.2); c.1520A>G, p.Lys507Arg (NM_003023.4); short protein forms K507R, K564R, K535R.
Identifiers: ClinVar variation 2041886 (VCV002041886.4), dbSNP rs2530364159, ClinGen allele CA356059194.